The following is an entry in ClinVar:

ClinVar aggregate classification (germline): Pathogenic. Review status: criteria provided, single submitter (1 of 4 stars). 2 submissions from 2 submitters: Pathogenic (1). 1 of the submissions does not count toward it. Last evaluated 2024-10-12.

Conditions:
Ehlers-Danlos syndrome, type 4 (EDSVASC). Also called: Ehlers-Danlos syndrome vascular type; Ehlers Danlos syndrome, ecchymotic type; Ehlers Danlos syndrome, arterial type; Ehlers Danlos syndrome, Sack-Barabas type; Ehlers-Danlos Syndrome Type IV. Identifiers: Orphanet 286, MedGen C0268338, MONDO:0017314, OMIM 130050.

Submissions (2):

Labcorp Genetics (formerly Invitae), Labcorp
Classification: Pathogenic for Ehlers-Danlos syndrome, type 4. Last evaluated: 2024-10-12. Review status: criteria provided, single submitter. Criteria: Invitae Variant Classification Sherloc (09022015). Collection method: clinical testing. Allele origin: germline.
Comment: This sequence change affects an acceptor splice site in intron 32 of the COL3A1 gene. It is expected to disrupt RNA splicing. Variants that disrupt the donor or acceptor splice site typically lead to a loss of protein function (PMID: 16199547), and loss-of-function variants in COL3A1 are known to be pathogenic (PMID: 24922459). This variant is not present in population databases (gnomAD no frequency). Disruption of this splice site has been observed in individual(s) with clinical features of autosomal dominant Ehlers-Danlos syndrome, vascular type (PMID: 24922459, 29510914; internal data). In at least one individual the variant was observed to be de novo. ClinVar contains an entry for this variant (Variation ID: 101263). Algorithms developed to predict the effect of sequence changes on RNA splicing suggest that this variant may disrupt the consensus splice site. For these reasons, this variant has been classified as Pathogenic.

Collagen Diagnostic Laboratory, University of Washington
Classification: Pathogenic for Ehlers-Danlos syndrome, type 4. Review status: no assertion criteria provided. Collection method: clinical testing. Allele origin: germline. Affected: yes. Not counted in ClinVar's aggregate classification.

Literature cited by the submitters: PubMed 16199547 (cited by Labcorp Genetics (formerly Invitae), Labcorp); PubMed 24922459 (cited by Labcorp Genetics (formerly Invitae), Labcorp); PubMed 29510914 (cited by Labcorp Genetics (formerly Invitae), Labcorp).

NM_000090.4(COL3A1):c.2284-2A>G

Gene: COL3A1 (collagen type III alpha 1 chain; plus strand). Cytogenetic location: 2q32.2.
Variant type: single nucleotide variant.
Coding change: c.2284-2A>G on transcript NM_000090.4 (MANE Select); the canonical splice acceptor site of the intron before coding-DNA position 2284, A replaced by G.
Molecular consequence: splice acceptor variant.
Genome position (GRCh38, 1-based): chr2:189,001,395, A>G. VCF-style: chr2-189001395-A-G. GRCh37 (hg19) VCF-style: chr2-189866121-A-G.
Identifiers: ClinVar variation 101263 (VCV000101263.10), dbSNP rs587779558, ClinGen allele CA005275.